The following is an entry in ClinVar:

ClinVar aggregate classification (germline): Benign. Review status: criteria provided, multiple submitters, no conflicts (2 of 4 stars). 3 submissions from 3 submitters: Benign (3). Last evaluated 2021-05-15.

Conditions:
Loeys-Dietz syndrome 2 (LDS2). Also called: TGFBR2-Related Loeys-Dietz Syndrome; AORTIC ANEURYSM, FAMILIAL THORACIC 3; MARFAN SYNDROME, TYPE II; Marfan Syndrome type 2; Marfan like connective tissue disorder; MFS 2. Identifiers: Orphanet 284973, Orphanet 558, MedGen C2674574, MONDO:0012427, OMIM 610168.

Allele frequency attached by ClinVar (database versions not stated): gnomAD exomes 0.05519; gnomAD 0.10295 and 0.10463; TOPMed 0.11207; 1000 Genomes Project 0.11482; 1000 Genomes Project 30x 0.11774.
gnomAD v4.1: 20,016 of 230,126 alleles (8.7%); highest among the groups gnomAD compares: African/African-American, 20%; 1,414 homozygotes.

Submissions (3):

GeneDx
Classification: Benign. Last evaluated: 2021-05-15. Review status: criteria provided, single submitter. Criteria: GeneDx Variant Classification Process June 2021. Collection method: clinical testing. Allele origin: germline. Affected: yes.

Illumina Laboratory Services, Illumina
Classification: Benign for Loeys-Dietz syndrome 2. Last evaluated: 2018-01-13. Review status: criteria provided, single submitter. Criteria: ICSL Variant Classification Criteria 13 December 2019. Collection method: clinical testing. Allele origin: germline.
Comment: This variant was observed in the ICSL laboratory as part of a predisposition screen in an ostensibly healthy population. It had not been previously curated by ICSL or reported in the Human Gene Mutation Database (HGMD: prior to June 1st, 2018), and was therefore a candidate for classification through an automated scoring system. Utilizing variant allele frequency, disease prevalence and penetrance estimates, and inheritance mode, an automated score was calculated to assess if this variant is too frequent to cause the disease. Based on the score and internal cut-off values, a variant classified as benign is not then subjected to further curation. The score for this variant resulted in a classification of benign for this disease.

Breakthrough Genomics
Classification: Benign. Review status: criteria provided, single submitter. Criteria: ACMG Guidelines, 2015. Collection method: not provided. Allele origin: germline. Inheritance: Autosomal dominant inheritance. Affected: yes.

NM_003242.6(TGFBR2):c.*747C>G

Gene: TGFBR2 (transforming growth factor beta receptor 2; plus strand). Cytogenetic location: 3p24.1.
Variant type: single nucleotide variant.
Coding change: c.*747C>G on transcript NM_003242.6 (MANE Select); 747 bases downstream of the stop codon, C replaced by G.
Molecular consequence: 3 prime UTR variant.
Genome position (GRCh38, 1-based): chr3:30,692,346, C>G. VCF-style: chr3-30692346-C-G. GRCh37 (hg19) VCF-style: chr3-30733838-C-G.
Other names: c.*747C>G (NM_001024847.3, NM_001407126.1, NM_001407127.1 and 11 more transcripts).
Identifiers: ClinVar variation 344681 (VCV000344681.10), dbSNP rs11466531, ClinGen allele CA10618031.